The following is an entry in ClinVar:

NM_001382391.1(CSPP1):c.2257_2260del (p.Gln753fs)

Gene: CSPP1 (centrosome and spindle pole associated protein 1; plus strand). Cytogenetic location: 8q13.2.
Variant type: Deletion.
Coding change: c.2257_2260del on transcript NM_001382391.1 (MANE Select); coding-DNA positions 2257 to 2260, 4 bases deleted (CAAA; older notation c.2257_2260delCAAA).
Protein change: p.Gln753fs; shifts the reading frame from glutamine 753.
Molecular consequence: frameshift variant.
Genome position (GRCh38, 1-based): chr8:67,158,462-67,158,465, CAAA deleted; deleting any 4 consecutive bases within chr8:67,158,459-67,158,465 gives the same sequence; the c. name uses the placement nearest the transcript's 3' end. VCF-style (leftmost placement, unchanged base first): chr8-67158458-GAAAC-G. GRCh37 (hg19) VCF-style: chr8-68070693-GAAAC-G.
Other names: c.1207_1210del, p.Gln403fs (NM_001291339.2); c.2176_2179del, p.Gln726fs (NM_001363131.2); c.2062_2065del, p.Gln688fs (NM_001363132.2); c.1981_1984del, p.Gln661fs (NM_001363133.2); c.2323_2326del, p.Gln775fs (NM_001364869.1); c.2143_2146del, p.Gln715fs (NM_001364870.1); c.2242_2245delCAAA, p.Gln748Glufs (NM_024790.7); short protein forms Q403fs, Q661fs, Q688fs, Q715fs, Q726fs, Q748fs, Q753fs, Q775fs.
Identifiers: ClinVar variation 3625740 (VCV003625740.3).

ClinVar aggregate classification (germline): Pathogenic/Likely pathogenic. Review status: criteria provided, multiple submitters, no conflicts (2 of 4 stars). 2 submissions from 2 submitters: Pathogenic (1); Likely pathogenic (1). Last evaluated 2025-11-27.

Conditions:
CSPP1-related disorder. Also called: CSPP1-related condition.
Joubert syndrome 21 (JBTS21). Identifiers: MedGen C3810212, MONDO:0014288, OMIM 615636.

Submissions (2):

Labcorp Genetics (formerly Invitae), Labcorp
Classification: Pathogenic for Joubert syndrome 21. Last evaluated: 2025-11-27. Review status: criteria provided, single submitter. Criteria: Invitae Variant Classification Sherloc (09022015). Collection method: clinical testing. Allele origin: germline.
Comment: This sequence change creates a premature translational stop signal (p.Gln748Glufs*9) in the CSPP1 gene. It is expected to result in an absent or disrupted protein product. Loss-of-function variants in CSPP1 are known to be pathogenic (PMID: 24360807, 24360808). This variant is present in population databases (rs771048679, gnomAD 0.007%). This variant has not been reported in the literature in individuals affected with CSPP1-related conditions. ClinVar contains an entry for this variant (Variation ID: 3625740). For these reasons, this variant has been classified as Pathogenic.

Blueprint Genetics
Classification: Likely pathogenic for CSPP1-related disorders. Last evaluated: 2022-10-25. Review status: criteria provided, single submitter. Criteria: ACMG Guidelines, 2015. Collection method: clinical testing. Allele origin: germline. Affected: yes. Observed: 1 variant allele.

Literature cited by the submitters: PubMed 24360807 (cited by Labcorp Genetics (formerly Invitae), Labcorp); PubMed 24360808 (cited by Labcorp Genetics (formerly Invitae), Labcorp).